The following is an entry in ClinVar:

NM_001349253.2(SCN11A):c.2546C>G (p.Thr849Ser)

Gene: SCN11A (sodium voltage-gated channel alpha subunit 11; minus strand). Cytogenetic location: 3p22.2.
Variant type: single nucleotide variant.
Coding change: c.2546C>G on transcript NM_001349253.2 (MANE Select); coding-DNA position 2546, C replaced by G.
Protein change: p.Thr849Ser; replaces threonine 849 with serine.
Molecular consequence: missense variant.
Genome position (GRCh38, 1-based): chr3:38,894,822, G>C on the plus strand (C>G on the coding strand, the complement: SCN11A is on the minus strand). VCF-style: chr3-38894822-G-C. GRCh37 (hg19) VCF-style: chr3-38936313-G-C.
Other names: c.2546C>G, p.Thr849Ser (NM_014139.3); short protein forms T849S.
Identifiers: ClinVar variation 646096 (VCV000646096.12), dbSNP rs772310170, ClinGen allele CA2322015.
Genomic context (GRCh38, chr3:38,894,822, plus strand): 5'-ACCTCTTTTTGCTGTGGTAAGTTTTGCTTCCTGCACCACTTGTGACAGAAATGCTCAAGA[G>C]TGTGTCTCACAAAACAAAAAGCCCGGCGGAATCGATCCAGTGCTAACTGGACTTTAGTTT-3'
Protein context (NP_001336182.1, residues 839-859): FRRAFCFVRH[Thr849Ser]LEHFCHKWCR

ClinVar aggregate classification (germline): Uncertain significance. Review status: criteria provided, multiple submitters, no conflicts (2 of 4 stars). 4 submissions from 4 submitters: Uncertain significance (4). Last evaluated 2026-04-24.

Conditions:
SCN11A-related disorder. Also called: SCN11A-related condition.
Hereditary sensory and autonomic neuropathy type 7. Also called: Neuropathy, hereditary sensory and autonomic, type VII; HSAN VII. Identifiers: Orphanet 391397, MedGen C3809882, MONDO:0014244, OMIM 615548.
Familial episodic pain syndrome with predominantly lower limb involvement. Also called: Episodic pain syndrome, familial, 3. Identifiers: Orphanet 391384, Orphanet 391392, MedGen C3809899, MONDO:0014247, OMIM 615552.
Inborn genetic diseases. Identifiers: MedGen C0950123, MeSH D030342.

Allele frequency attached by ClinVar (database versions not stated): ExAC 0.00001; gnomAD exomes 0.00001; TOPMed 0.00002; gnomAD 0.00003.
gnomAD v4.1: 17 of 1,614,092 alleles (0.0011%); highest among the groups gnomAD compares: Non-Finnish European, 0.0014%; no homozygotes.

Submissions (4):

Women's Health and Genetics/Laboratory Corporation of America, LabCorp
Classification: Uncertain significance. Last evaluated: 2026-04-24. Review status: criteria provided, single submitter. Criteria: LabCorp Variant Classification Summary - May 2015. Collection method: clinical testing. Allele origin: germline.
Comment: Variant summary: SCN11A c.2546C>G (p.Thr849Ser) results in a conservative amino acid change in the encoded protein sequence. Algorithms developed to predict the effect of missense changes on protein structure and function all suggest that this variant is likely to be tolerated. The variant allele was found at a frequency of 8e-06 in 251356 control chromosomes. The available data on variant occurrences in the general population are insufficient to allow any conclusion about variant significance. To our knowledge, no occurrence of c.2546C>G in individuals affected with SCN11A-related conditions and no experimental evidence demonstrating its impact on protein function have been reported. ClinVar contains an entry for this variant (Variation ID: 646096). Based on the evidence outlined above, the variant was classified as uncertain significance.

PreventionGenetics, part of Exact Sciences
Classification: Uncertain significance for SCN11A-related condition. Last evaluated: 2025-11-12. Review status: criteria provided, single submitter. Criteria: ACMG Guidelines, 2015. Collection method: clinical testing. Allele origin: germline.
Comment: The SCN11A c.2546C>G variant is predicted to result in the amino acid substitution p.Thr849Ser. To our knowledge, this variant has not been reported in the literature. This variant is reported in 0.0023% of alleles in individuals of European (non-Finnish) descent in gnomAD. At this time, the clinical significance of this variant is uncertain due to the absence of conclusive functional and genetic evidence.

Ambry Genetics
Classification: Uncertain significance for Inborn genetic diseases. Last evaluated: 2025-04-24. Review status: criteria provided, single submitter. Criteria: Ambry Variant Classification Scheme 2023. Collection method: clinical testing. Allele origin: germline.

Labcorp Genetics (formerly Invitae), Labcorp
Classification: Uncertain significance for Familial episodic pain syndrome with predominantly lower limb involvement; Hereditary sensory and autonomic neuropathy type 7. Last evaluated: 2024-06-17. Review status: criteria provided, single submitter. Criteria: Invitae Variant Classification Sherloc (09022015). Collection method: clinical testing. Allele origin: germline.
Comment: This sequence change replaces threonine, which is neutral and polar, with serine, which is neutral and polar, at codon 849 of the SCN11A protein (p.Thr849Ser). This variant is present in population databases (rs772310170, gnomAD 0.002%). This variant has not been reported in the literature in individuals affected with SCN11A-related conditions. ClinVar contains an entry for this variant (Variation ID: 646096). Advanced modeling of protein sequence and biophysical properties (such as structural, functional, and spatial information, amino acid conservation, physicochemical variation, residue mobility, and thermodynamic stability) performed at Invitae indicates that this missense variant is not expected to disrupt SCN11A protein function with a negative predictive value of 80%. In summary, the available evidence is currently insufficient to determine the role of this variant in disease. Therefore, it has been classified as a Variant of Uncertain Significance.